The following is an entry in ClinVar:

ClinVar aggregate classification (germline): Uncertain significance (1 of 4 stars; one submission).

Conditions:
Charcot-Marie-Tooth disease X-linked dominant 6. Also called: CHARCOT-MARIE-TOOTH NEUROPATHY, X-LINKED DOMINANT, 6. Identifiers: Orphanet 352675, MedGen C3806702, MONDO:0010479, OMIM 300905.

Allele frequency attached by ClinVar (database versions not stated): TOPMed below 0.00001; ExAC 0.00001; gnomAD exomes 0.00002; ESP Exome Variant Server 0.00009.
gnomAD v4.1: 16 of 1,201,706 alleles (0.0013%); highest among the groups gnomAD compares: Non-Finnish European, 0.0018%; no homozygotes.

Submission:

Labcorp Genetics (formerly Invitae), Labcorp
Classification: Uncertain significance for Charcot-Marie-Tooth disease X-linked dominant 6. Last evaluated: 2023-12-14. Review status: criteria provided, single submitter. Criteria: Invitae Variant Classification Sherloc (09022015). Collection method: clinical testing. Allele origin: germline.
Comment: This sequence change replaces alanine, which is neutral and non-polar, with valine, which is neutral and non-polar, at codon 404 of the PDK3 protein (p.Ala404Val). This variant is present in population databases (rs375862167, gnomAD 0.004%). This variant has not been reported in the literature in individuals affected with PDK3-related conditions. ClinVar contains an entry for this variant (Variation ID: 1036293). Algorithms developed to predict the effect of missense changes on protein structure and function output the following: SIFT: "Not Available"; PolyPhen-2: "Benign"; Align-GVGD: "Not Available". The valine amino acid residue is found in multiple mammalian species, which suggests that this missense change does not adversely affect protein function. Algorithms developed to predict the effect of sequence changes on RNA splicing suggest that this variant may disrupt the consensus splice site. In summary, the available evidence is currently insufficient to determine the role of this variant in disease. Therefore, it has been classified as a Variant of Uncertain Significance.

NM_005391.5(PDK3):c.1211C>T (p.Ala404Val)

Gene: PDK3 (pyruvate dehydrogenase kinase 3; plus strand). Cytogenetic location: Xp22.11.
Variant type: single nucleotide variant.
Coding change: c.1211C>T on transcript NM_005391.5 (MANE Select); coding-DNA position 1211, C replaced by T.
Protein change: p.Ala404Val; replaces alanine 404 with valine.
Molecular consequence: missense variant.
Genome position (GRCh38, 1-based): chrX:24,534,062, C>T. VCF-style: chrX-24534062-C-T. GRCh37 (hg19) VCF-style: chrX-24552179-C-T.
Other names: c.1211C>T, p.Ala404Val (NM_001142386.3); short protein forms A404V.
Identifiers: ClinVar variation 1036293 (VCV001036293.8), dbSNP rs375862167, ClinGen allele CA10372409.
Genomic context (GRCh38, chrX:24,534,062, plus strand): 5'-CTGAAGCCGATGATTGGAGCAATCCCAGCAGTGAACCCAGGGATGCTTCAAAATACAAAG[C>T]AAAACAGTAATATACCACCTTGATTTCCATTACAAAGTATCTGATTTGTCTGAATAAAGG-3'
Protein context (NP_005382.1, residues 394-406): SEPRDASKYK[Ala404Val]KQ